The following is an entry in ClinVar:

ClinVar aggregate classification (germline): Uncertain significance (1 of 4 stars; one submission).

Conditions:
AFF4-related disorder. Also called: AFF4-related condition.

Submission:

PreventionGenetics, part of Exact Sciences
Classification: Uncertain significance for AFF4-related condition. Last evaluated: 2024-12-26. Review status: criteria provided, single submitter. Criteria: ACMG Guidelines, 2015. Collection method: clinical testing. Allele origin: germline.
Comment: The AFF4 c.2021C>T variant is predicted to result in the amino acid substitution p.Thr674Ile. To our knowledge, this variant has not been reported in the literature or in a large population database (gnomAD), indicating this variant is rare. At this time, the clinical significance of this variant is uncertain due to the absence of conclusive functional and genetic evidence.

NM_014423.4(AFF4):c.2021C>T (p.Thr674Ile)

Gene: AFF4 (ALF transcription elongation factor 4; minus strand). Cytogenetic location: 5q31.1.
Variant type: single nucleotide variant.
Coding change: c.2021C>T on transcript NM_014423.4 (MANE Select); coding-DNA position 2021, C replaced by T.
Protein change: p.Thr674Ile; replaces threonine 674 with isoleucine.
Molecular consequence: missense variant.
Genome position (GRCh38, 1-based): chr5:132,896,609, G>A on the plus strand (C>T on the coding strand, the complement: AFF4 is on the minus strand). VCF-style: chr5-132896609-G-A. GRCh37 (hg19) VCF-style: chr5-132232301-G-A.
Other names: short protein forms T674I.
Identifiers: ClinVar variation 4996976 (VCV004996976.1).
Genomic context (GRCh38, chr5:132,896,609, plus strand): 5'-GAGAACATTCGTTGCCGAAAAAAGCTATCTTCTTCCTCCACTGAGGAGGGTTTAACAGGA[G>A]TCCTATTGCTCTCGGGGTACTTAGGAGTTTGTGAGGAAGGAGGAAGGCTCTCACTTTCAT-3'
Protein context (NP_055238.1, residues 664-684): QTPKYPESNR[Thr674Ile]PVKPSSVEEE